The following is an entry in ClinVar:

NM_001278716.2(FBXL4):c.1422A>G (p.Ile474Met)

Gene: FBXL4 (F-box and leucine rich repeat protein 4; minus strand). Cytogenetic location: 6q16.1.
Variant type: single nucleotide variant.
Coding change: c.1422A>G on transcript NM_001278716.2 (MANE Select); coding-DNA position 1422, A replaced by G.
Protein change: p.Ile474Met; replaces isoleucine 474 with methionine.
Molecular consequence: missense variant. On other transcripts: non-coding transcript variant (1).
Genome position (GRCh38, 1-based): chr6:98,875,695, T>C on the plus strand (A>G on the coding strand, the complement: FBXL4 is on the minus strand). VCF-style: chr6-98875695-T-C. GRCh37 (hg19) VCF-style: chr6-99323571-T-C.
Other names: c.1422A>G, p.Ile474Met (NM_012160.5); short protein forms I474M.
Identifiers: ClinVar variation 437755 (VCV000437755.1), dbSNP rs776233574, ClinGen allele CA3933443.

ClinVar aggregate classification (germline): Uncertain significance (1 of 4 stars; one submission).

Conditions:
Mitochondrial DNA depletion syndrome 13. Also called: FBXL4-Related Encephalomyopathic Mitochondrial DNA Depletion Syndrome; Mitochondrial DNA depletion syndrome 13 (encephalomyopathic type). Identifiers: Orphanet 369897, MedGen C3809592, MONDO:0014198, OMIM 615471.

Allele frequency attached by ClinVar (database versions not stated): TOPMed below 0.00001; ExAC 0.00001; gnomAD 0.00001; gnomAD exomes 0.00001 and 0.00002.
gnomAD v4.1: 34 of 1,613,704 alleles (0.0021%); highest among the groups gnomAD compares: Non-Finnish European, 0.0028%; no homozygotes.

Submission:

Wong Mito Lab, Molecular and Human Genetics, Baylor College of Medicine
Classification: Uncertain significance for Mitochondrial DNA depletion syndrome 13. Last evaluated: 2017-08-10. Review status: criteria provided, single submitter. Criteria: ACMG Guidelines, 2015. Collection method: reference population. Allele origin: germline.
Comment: The NM_012160.4:c.1422A>G (NP_036292.2:p.Ile474Met) [GRCH38: NC_000006.12:g.98875695T>C] variant in FBXL4 gene is interpretated to be a Uncertain Significance - Conflicting Evidence based on ACMG guidelines (PMID: 25741868). This variant meets one or more of the following evidence codes reported in the ACMG-guideline. PM2:This variant is absent in key population databases. BP4:Computational evidence/predictors indicate no impact on the FBXL4 structure, function, or protein-protein interaction. Based on this evidence code ClinGen Pathogenicity Calculator (PMID:28081714) suggested that the variant is Uncertain Significance - Conflicting Evidence.